The following is an entry in ClinVar:

ClinVar aggregate classification (germline): not provided (0 of 4 stars; one submission).

Conditions:
Mirror movements 2 (MRMV2). Identifiers: Orphanet 238722, MedGen C3281089, MONDO:0013790, OMIM 614508.

Submission:

GeneReviews
No classification provided. Condition: Mirror movements 2. Review status: no classification provided. Collection method: literature only. Allele origin: germline. Affected: yes.
Comment: May be associated with a higher risk of CMM.

Literature cited by the submitters: PubMed 24808016; NCBI Bookshelf NBK279760.

NM_002875.5(RAD51):c.406A>T (p.Ile136Phe)

Gene: RAD51 (RAD51 recombinase; plus strand). Cytogenetic location: 15q15.1.
Variant type: single nucleotide variant.
Coding change: c.406A>T on transcript NM_002875.5 (MANE Select); coding-DNA position 406, A replaced by T.
Protein change: p.Ile136Phe; replaces isoleucine 136 with phenylalanine.
Molecular consequence: missense variant.
Genome position (GRCh38, 1-based): chr15:40,709,087, A>T. VCF-style: chr15-40709087-A-T. GRCh37 (hg19) VCF-style: chr15-41001285-A-T.
Other names: c.409A>T, p.Ile137Phe (NM_001164269.2, NM_133487.4); c.406A>T, p.Ile136Phe (NM_001164270.2); short protein forms I136F, I137F.
Identifiers: ClinVar variation 187803 (VCV000187803.3), dbSNP rs797044557, ClinGen allele CA347171.
Genomic context (GRCh38, chr15:40,709,087, plus strand): 5'-GGAATTGAGACTGGATCTATCACAGAAATGTTTGGAGAATTCCGAACTGGGAAGACCCAG[A>T]TCTGTCATACGCTAGCTGTCACCTGCCAGGTGAGCTGTTGGGGCTATAGCTAATCAAATA-3'
Protein context (NP_002866.2, residues 126-146): FGEFRTGKTQ[Ile136Phe]CHTLAVTCQL